The following is an entry in ClinVar:

NM_005560.6(LAMA5):c.9943-8G>A

Gene: LAMA5 (laminin subunit alpha 5; minus strand). Cytogenetic location: 20q13.33.
Variant type: single nucleotide variant.
Coding change: c.9943-8G>A on transcript NM_005560.6 (MANE Select); 8 bases into the intron before coding-DNA position 9943, G replaced by A.
Molecular consequence: intron variant.
Genome position (GRCh38, 1-based): chr20:62,311,315, C>T on the plus strand (G>A on the coding strand, the complement: LAMA5 is on the minus strand). VCF-style: chr20-62311315-C-T. GRCh37 (hg19) VCF-style: chr20-60886371-C-T.
Identifiers: ClinVar variation 4293875 (VCV004293875.1).

ClinVar aggregate classification (germline): Uncertain significance (1 of 4 stars; one submission).

Conditions:
Nephrotic syndrome, IIa 26. Also called: Nephrotic syndrome, type 26. Identifiers: MedGen C5774221, MONDO:0031061, OMIM 620049.

gnomAD v4.1: 13 of 1,556,124 alleles (0.00084%); highest among the groups gnomAD compares: African/African-American, 0.0027%; no homozygotes.

Submission:

3billion
Classification: Uncertain significance for Nephrotic syndrome, IIa 26. Last evaluated: 2024-06-22. Review status: criteria provided, single submitter. Criteria: ACMG Guidelines, 2015. Collection method: clinical testing. Allele origin: germline. Affected: yes.
Comment: The variant is observed at an extremely low frequency in the gnomAD v4.0.0 dataset (total allele frequency: <0.001%). Predicted Consequence/Location: Intron variant Therefore, this variant is classified as VUS according to the recommendation of ACMG/AMP guideline.